The following is an entry in ClinVar:

ClinVar aggregate classification (germline): Pathogenic/Likely pathogenic. Review status: criteria provided, multiple submitters, no conflicts (2 of 4 stars). 2 submissions from 2 submitters: Pathogenic (1); Likely pathogenic (1). Last evaluated 2025-09-02.

Conditions:
Cystic fibrosis (CF). Also called: MUCOVISCIDOSIS. Identifiers: Orphanet 586, MedGen C0010674, MONDO:0009061, OMIM 219700. Disease mechanism: loss of function.
CFTR-related disorder (CFTR-RD). Also called: CFTR-related disorders; CFTR-related condition. Identifiers: MedGen C5924204, MONDO:7770004.

Submissions (2):

Labcorp Genetics (formerly Invitae), Labcorp
Classification: Pathogenic for Cystic fibrosis. Last evaluated: 2025-09-02. Review status: criteria provided, single submitter. Criteria: Invitae Variant Classification Sherloc (09022015). Collection method: clinical testing. Allele origin: germline.
Comment: This sequence change creates a premature translational stop signal (p.Tyr914*) in the CFTR gene. It is expected to result in an absent or disrupted protein product. Loss-of-function variants in CFTR are known to be pathogenic (PMID: 1695717, 7691345, 9725922). This variant is not present in population databases (gnomAD no frequency). This variant has not been reported in the literature in individuals affected with CFTR-related conditions. ClinVar contains an entry for this variant (Variation ID: 1929404). Algorithms developed to predict the effect of sequence changes on RNA splicing suggest that this variant may disrupt the consensus splice site. For these reasons, this variant has been classified as Pathogenic.

Natera, Inc.
Classification: Likely pathogenic for CFTR-related disorders. Last evaluated: 2025-07-14. Review status: criteria provided, single submitter. Criteria: Natera Variant Classification Schema (03/2026). Collection method: clinical testing. Allele origin: germline.
Comment: The c.2742T>G variant in CFTR is a nonsense variant predicted to introduce a stop codon at amino acid 914. This variant is expected to result in nonsense mediated decay, truncation, or a dysfunctional protein product. This variant is rare in the general population with a frequency below the threshold expected for the associated phenotype(s). Given the available evidence, this variant is classified as Likely Pathogenic.

Literature cited by the submitters: PubMed 1695717 (cited by Labcorp Genetics (formerly Invitae), Labcorp); PubMed 7691345 (cited by Labcorp Genetics (formerly Invitae), Labcorp); PubMed 9725922 (cited by Labcorp Genetics (formerly Invitae), Labcorp).

NM_000492.4(CFTR):c.2742T>G (p.Tyr914Ter)

Gene: CFTR (CF transmembrane conductance regulator; plus strand). Cytogenetic location: 7q31.2.
Variant type: single nucleotide variant.
Coding change: c.2742T>G on transcript NM_000492.4 (MANE Select); coding-DNA position 2742, T replaced by G.
Protein change: p.Tyr914Ter; replaces tyrosine 914 with a stop codon.
Molecular consequence: nonsense.
Genome position (GRCh38, 1-based): chr7:117,603,616, T>G. VCF-style: chr7-117603616-T-G. GRCh37 (hg19) VCF-style: chr7-117243670-T-G.
Other names: short protein forms Y914*.
Identifiers: ClinVar variation 1929404 (VCV001929404.6), dbSNP rs769879940, ClinGen allele CA368986592.